The following is an entry in ClinVar:

NM_001194998.2(CEP152):c.2446C>T (p.Gln816Ter)

Gene: CEP152 (centrosomal protein 152; minus strand). Cytogenetic location: 15q21.1.
Variant type: single nucleotide variant.
Coding change: c.2446C>T on transcript NM_001194998.2 (MANE Select); coding-DNA position 2446, C replaced by T.
Protein change: p.Gln816Ter; replaces glutamine 816 with a stop codon.
Molecular consequence: nonsense.
Genome position (GRCh38, 1-based): chr15:48,762,507, G>A on the plus strand (C>T on the coding strand, the complement: CEP152 is on the minus strand). VCF-style: chr15-48762507-G-A. GRCh37 (hg19) VCF-style: chr15-49054704-G-A.
Other names: c.2446C>T, p.Gln816Ter (NM_014985.4); short protein forms Q816*.
Identifiers: ClinVar variation 2744471 (VCV002744471.3), dbSNP rs762950259, ClinGen allele CA392346771.

ClinVar aggregate classification (germline): Pathogenic (1 of 4 stars; one submission).

gnomAD v4.1: 8 of 1,613,988 alleles (0.0005%); highest among the groups gnomAD compares: Non-Finnish European, 0.00068%; no homozygotes.

Submission:

Labcorp Genetics (formerly Invitae), Labcorp
Classification: Pathogenic. Last evaluated: 2023-05-28. Review status: criteria provided, single submitter. Criteria: Invitae Variant Classification Sherloc (09022015). Collection method: clinical testing. Allele origin: germline.
Comment: This variant has not been reported in the literature in individuals affected with CEP152-related conditions. This variant is not present in population databases (gnomAD no frequency). This sequence change creates a premature translational stop signal (p.Gln816*) in the CEP152 gene. It is expected to result in an absent or disrupted protein product. Loss-of-function variants in CEP152 are known to be pathogenic (PMID: 21131973). For these reasons, this variant has been classified as Pathogenic.

Literature cited by the submitters: PubMed 21131973.